The following is an entry in ClinVar:

ClinVar aggregate classification (germline): Uncertain significance (1 of 4 stars; one submission).

gnomAD v4.1: 21 of 1,590,082 alleles (0.0013%); highest among the groups gnomAD compares: Middle Eastern, 0.017%; no homozygotes.

Submission:

Labcorp Genetics (formerly Invitae), Labcorp
Classification: Uncertain significance. Last evaluated: 2025-08-08. Review status: criteria provided, single submitter. Criteria: Invitae Variant Classification Sherloc (09022015). Collection method: clinical testing. Allele origin: germline.
Comment: This sequence change replaces alanine, which is neutral and non-polar, with valine, which is neutral and non-polar, at codon 3 of the BRD4 protein (p.Ala3Val). The frequency data for this variant in the population databases is considered unreliable, as metrics indicate poor data quality at this position in the gnomAD database. This variant has not been reported in the literature in individuals affected with BRD4-related conditions. An algorithm developed to predict the effect of missense changes on protein structure and function outputs the following: PolyPhen-2: "Not Available". The valine amino acid residue is found in multiple mammalian species, which suggests that this missense change does not adversely affect protein function. In summary, the available evidence is currently insufficient to determine the role of this variant in disease. Therefore, it has been classified as a Variant of Uncertain Significance.

NM_001379291.1(BRD4):c.8C>T (p.Ala3Val)

Gene: BRD4 (bromodomain containing 4; minus strand). Cytogenetic location: 19p13.12.
Variant type: single nucleotide variant.
Coding change: c.8C>T on transcript NM_001379291.1 (MANE Select); coding-DNA position 8, C replaced by T.
Protein change: p.Ala3Val; replaces alanine 3 with valine.
Molecular consequence: missense variant.
Genome position (GRCh38, 1-based): chr19:15,273,092, G>A on the plus strand (C>T on the coding strand, the complement: BRD4 is on the minus strand). VCF-style: chr19-15273092-G-A. GRCh37 (hg19) VCF-style: chr19-15383903-G-A.
Other names: c.8C>T, p.Ala3Val (NM_001330384.2, NM_001379292.1, NM_014299.3 and 1 more transcripts); short protein forms A3V.
Identifiers: ClinVar variation 4752580 (VCV004752580.1).